The following is an entry in ClinVar:

NM_001458.5(FLNC):c.5529C>G (p.Asn1843Lys)

Genes: FLNC-AS1 (FLNC antisense RNA 1; minus strand), FLNC (filamin C; plus strand). Cytogenetic location: 7q32.1.
Variant type: single nucleotide variant.
Coding change: c.5529C>G on transcript NM_001458.5 (MANE Select); coding-DNA position 5529, C replaced by G.
Protein change: p.Asn1843Lys; replaces asparagine 1843 with lysine.
Molecular consequence: missense variant.
Genome position (GRCh38, 1-based): chr7:128,850,933, C>G. VCF-style: chr7-128850933-C-G. GRCh37 (hg19) VCF-style: chr7-128490987-C-G.
Other names: c.5430C>G, p.Asn1810Lys (NM_001127487.2); short protein forms N1810K, N1843K.
Identifiers: ClinVar variation 4812428 (VCV004812428.1).

ClinVar aggregate classification (germline): Uncertain significance (1 of 4 stars; one submission).

Conditions:
Hypertrophic cardiomyopathy 26. Also called: Cardiomyopathy, familial hypertrophic, 26. Identifiers: Orphanet 75249, MedGen C4310749, MONDO:0014883, OMIM 617047.
Myofibrillar myopathy 5. Also called: Filaminopathy (type); FILAMINOPATHY, AUTOSOMAL DOMINANT. Identifiers: Orphanet 171445, MedGen C1836050, MONDO:0012289, OMIM 609524.
Distal myopathy with posterior leg and anterior hand involvement. Also called: WILLIAMS DISTAL MYOPATHY. Identifiers: Orphanet 63273, MedGen C3279722, MONDO:0013550, OMIM 614065.

Submission:

Labcorp Genetics (formerly Invitae), Labcorp
Classification: Uncertain significance for Distal myopathy with posterior leg and anterior hand involvement; Myofibrillar myopathy 5; Hypertrophic cardiomyopathy 26. Last evaluated: 2025-10-23. Review status: criteria provided, single submitter. Criteria: Invitae Variant Classification Sherloc (09022015). Collection method: clinical testing. Allele origin: germline.
Comment: This sequence change replaces asparagine, which is neutral and polar, with lysine, which is basic and polar, at codon 1843 of the FLNC protein (p.Asn1843Lys). This variant is not present in population databases (gnomAD no frequency). This variant has not been reported in the literature in individuals affected with FLNC-related conditions. Invitae Evidence Modeling of protein sequence and biophysical properties (such as structural, functional, and spatial information, amino acid conservation, physicochemical variation, residue mobility, and thermodynamic stability) has been performed for this missense variant. However, the output from this modeling did not meet the statistical confidence thresholds required to predict the impact of this variant on FLNC protein function. In summary, the available evidence is currently insufficient to determine the role of this variant in disease. Therefore, it has been classified as a Variant of Uncertain Significance.